The following is an entry in ClinVar:

ClinVar aggregate classification (germline): Uncertain significance. Review status: criteria provided, multiple submitters, no conflicts (2 of 4 stars). 3 submissions from 3 submitters: Uncertain significance (3). Last evaluated 2026-08-06.

Conditions:
Intellectual disability, autosomal dominant 16 (CSS4). Also called: COFFIN-SIRIS SYNDROME 4. Identifiers: Orphanet 1465, MedGen C3553249, MONDO:0013821, OMIM 614609.
Rhabdoid tumor predisposition syndrome 2 (RTPS2). Identifiers: Orphanet 231108, Orphanet 69077, MedGen C2750074, MONDO:0013224, OMIM 613325.

Allele frequency attached by ClinVar (database versions not stated): TOPMed 0.00002.

Submissions (3):

OLLIN Analises Genomicas, OLLIN
Classification: Uncertain significance for Intellectual disability, autosomal dominant 16. Last evaluated: 2026-08-06. Review status: criteria provided, single submitter. Criteria: ACMG Guidelines 2015 PMID 25741868. Collection method: clinical testing. Allele origin: germline. Inheritance: Autosomal dominant inheritance.
Comment: This missense variant, located in exon 4 (of 35), is absent from gnomAD and has not been identified in the literature. However, it has been reported in ClinVar (accession VCV000470421.9). In silico analysis predicts that this variant has a tolerated effect. This gene is constrained for missense variation. According to the currently available evidence, this variant has been classified as uncertain significance (PM2_P, PP2, BP4_M).

Dasa
Classification: Uncertain significance. Last evaluated: 2024-12-03. Review status: criteria provided, single submitter. Criteria: DASA Assertion Criteria. Collection method: clinical testing. Allele origin: germline.
Comment: NM_003072.5(SMARCA4):c.481G>T (p.Ala161Ser) is a missense variant that results in the substitution of alanine with serine. This variant is absent from population databases. Computational prediction algorithms are consistent with a benign effect. The currently available literature and clinical evidence are not sufficient to establish a definitive association between this variant and the reported condition. Therefore, this variant is classified as a variant of uncertain significance.

Labcorp Genetics (formerly Invitae), Labcorp
Classification: Uncertain significance for Rhabdoid tumor predisposition syndrome 2. Last evaluated: 2017-07-09. Review status: criteria provided, single submitter. Criteria: Invitae Variant Classification Sherloc (09022015). Collection method: clinical testing. Allele origin: germline.
Comment: This variant is not present in population databases (ExAC no frequency). In summary, the available evidence is currently insufficient to determine the role of this variant in disease. Therefore, it has been classified as a Variant of Uncertain Significance. Algorithms developed to predict the effect of missense changes on protein structure and function output the following: SIFT: "Tolerated"; PolyPhen-2: "Benign"; Align-GVGD: "Class C0". The serine amino acid residue is found in multiple mammalian species, suggesting that this missense change does not adversely affect protein function. These predictions have not been confirmed by published functional studies and their clinical significance is uncertain. This variant has not been reported in the literature in individuals with SMARCA4-related disease. This sequence change replaces alanine with serine at codon 161 of the SMARCA4 protein (p.Ala161Ser). The alanine residue is highly conserved and there is a moderate physicochemical difference between alanine and serine.

NM_003072.5(SMARCA4):c.481G>T (p.Ala161Ser)

Gene: SMARCA4 (SWI/SNF related BAF chromatin remodeling complex subunit ATPase 4; plus strand). Cytogenetic location: 19p13.2.
Variant type: single nucleotide variant.
Coding change: c.481G>T on transcript NM_003072.5 (MANE Select); coding-DNA position 481, G replaced by T.
Protein change: p.Ala161Ser; replaces alanine 161 with serine.
Molecular consequence: missense variant. On other transcripts: non-coding transcript variant (1).
Genome position (GRCh38, 1-based): chr19:10,986,314, G>T. VCF-style: chr19-10986314-G-T. GRCh37 (hg19) VCF-style: chr19-11096990-G-T.
Other names: c.481G>T, p.Ala161Ser (NM_001128844.3, NM_001128845.2, NM_001128846.2 and 5 more transcripts); short protein forms A161S.
Identifiers: ClinVar variation 470421 (VCV000470421.11), dbSNP rs1295034696, ClinGen allele CA404056093.